The following is an entry in ClinVar:

NM_001042492.3(NF1):c.3430T>C (p.Cys1144Arg)

Gene: NF1 (neurofibromin 1; plus strand). Cytogenetic location: 17q11.2.
Variant type: single nucleotide variant.
Coding change: c.3430T>C on transcript NM_001042492.3 (MANE Select); coding-DNA position 3430, T replaced by C.
Protein change: p.Cys1144Arg; replaces cysteine 1144 with arginine.
Molecular consequence: missense variant.
Genome position (GRCh38, 1-based): chr17:31,232,815, T>C. VCF-style: chr17-31232815-T-C. GRCh37 (hg19) VCF-style: chr17-29559833-T-C.
Other names: c.3430T>C, p.Cys1144Arg (NM_000267.4); short protein forms C1144R.
Identifiers: ClinVar variation 1026889 (VCV001026889.7), dbSNP rs2067136902, ClinGen allele CA398989242.
Genomic context (GRCh38, chr17:31,232,815, plus strand): 5'-AGTGCGCAAACAGGTGGCAGGAAACGTGGCATGTCTCGGAGGCTGGCATCACTGAGGCAC[T>C]GTACGGTCCTTGCAATGTCAAACTTACTCAATGCCAACGTAGACAGTGGTCTCATGCACT-3'
Protein context (NP_001035957.1, residues 1134-1154): MSRRLASLRH[Cys1144Arg]TVLAMSNLLN

ClinVar aggregate classification (germline): Uncertain significance. Review status: criteria provided, multiple submitters, no conflicts (2 of 4 stars). 2 submissions from 2 submitters: Uncertain significance (2). Last evaluated 2022-02-24.

Conditions:
Cardiovascular phenotype. Identifiers: MedGen CN230736.
Hereditary cancer-predisposing syndrome. Also called: Hereditary neoplastic syndrome; Neoplastic Syndromes, Hereditary; Tumor predisposition; Hereditary Cancer Syndrome. Identifiers: Orphanet 140162, MedGen C0027672, MeSH D009386, MONDO:0015356.
Neurofibromatosis, type 1 (NF1). Also called: Peripheral type neurofibromatosis; Neurofibromatosis, type I; VON RECKLINGHAUSEN DISEASE; NEUROFIBROMATOSIS, TYPE I, SOMATIC. Identifiers: Orphanet 636, MedGen C0027831, MONDO:0018975, OMIM 162200. Disease mechanism: loss of function.

Allele frequency attached by ClinVar (database versions not stated): gnomAD exomes below 0.00001.
gnomAD v4.1: 1 of 1,614,168 alleles (0.000062%); highest among the groups gnomAD compares: Non-Finnish European, 0.000085%; no homozygotes.

Submissions (2):

Labcorp Genetics (formerly Invitae), Labcorp
Classification: Uncertain significance for Neurofibromatosis, type 1. Last evaluated: 2022-02-24. Review status: criteria provided, single submitter. Criteria: Invitae Variant Classification Sherloc (09022015). Collection method: clinical testing. Allele origin: germline.
Comment: This variant is not present in population databases (gnomAD no frequency). This sequence change replaces cysteine, which is neutral and slightly polar, with arginine, which is basic and polar, at codon 1144 of the NF1 protein (p.Cys1144Arg). This variant has not been reported in the literature in individuals affected with NF1-related conditions. ClinVar contains an entry for this variant (Variation ID: 1026889). Advanced modeling of protein sequence and biophysical properties (such as structural, functional, and spatial information, amino acid conservation, physicochemical variation, residue mobility, and thermodynamic stability) performed at Invitae indicates that this missense variant is expected to disrupt NF1 protein function. In summary, the available evidence is currently insufficient to determine the role of this variant in disease. Therefore, it has been classified as a Variant of Uncertain Significance.

Ambry Genetics
Classification: Uncertain significance for Cardiovascular phenotype; Hereditary cancer-predisposing syndrome. Last evaluated: 2021-04-22. Review status: criteria provided, single submitter. Criteria: Ambry Variant Classification Scheme 2023. Collection method: clinical testing. Allele origin: germline.
Comment: The p.C1144R variant (also known as c.3430T>C), located in coding exon 26 of the NF1 gene, results from a T to C substitution at nucleotide position 3430. The cysteine at codon 1144 is replaced by arginine, an amino acid with highly dissimilar properties. This amino acid position is highly conserved in available vertebrate species. In addition, the in silico prediction for this alteration is inconclusive. Since supporting evidence is limited at this time, the clinical significance of this alteration remains unclear.